The following is an entry in ClinVar:

NM_001909.5(CTSD):c.409T>A (p.Ser137Thr)

Gene: CTSD (cathepsin D; minus strand). Cytogenetic location: 11p15.5.
Variant type: single nucleotide variant.
Coding change: c.409T>A on transcript NM_001909.5 (MANE Select); coding-DNA position 409, T replaced by A.
Protein change: p.Ser137Thr; replaces serine 137 with threonine.
Molecular consequence: missense variant.
Genome position (GRCh38, 1-based): chr11:1,759,031, A>T on the plus strand (T>A on the coding strand, the complement: CTSD is on the minus strand). VCF-style: chr11-1759031-A-T. GRCh37 (hg19) VCF-style: chr11-1780261-A-T.
Other names: short protein forms S137T.
Identifiers: ClinVar variation 944964 (VCV000944964.9), dbSNP rs1845842497, ClinGen allele CA379097478.

ClinVar aggregate classification (germline): Uncertain significance (1 of 4 stars; one submission).

Conditions:
Neuronal ceroid lipofuscinosis. Also called: Neuronal Ceroid Lipofuscinoses. Identifiers: Orphanet 216, Orphanet 79263, MedGen C0027877, MONDO:0016295. Disease mechanism: loss of function.

Submission:

Labcorp Genetics (formerly Invitae), Labcorp
Classification: Uncertain significance for Neuronal ceroid lipofuscinosis. Last evaluated: 2019-06-18. Review status: criteria provided, single submitter. Criteria: Invitae Variant Classification Sherloc (09022015). Collection method: clinical testing. Allele origin: germline.
Comment: This variant has not been reported in the literature in individuals with CTSD-related conditions. Algorithms developed to predict the effect of missense changes on protein structure and function output the following: SIFT: "Tolerated"; PolyPhen-2: "Benign"; Align-GVGD: "Class C0". The threonine amino acid residue is found in multiple mammalian species, suggesting that this missense change does not adversely affect protein function. These predictions have not been confirmed by published functional studies and their clinical significance is uncertain. In summary, the available evidence is currently insufficient to determine the role of this variant in disease. Therefore, it has been classified as a Variant of Uncertain Significance. This sequence change replaces serine with threonine at codon 137 of the CTSD protein (p.Ser137Thr). The serine residue is moderately conserved and there is a small physicochemical difference between serine and threonine. This variant is not present in population databases (ExAC no frequency).